The following is an entry in ClinVar:

NC_000022.11:g.(?_19877095)_(19941813_?)del

Genes: COMT (catechol-O-methyltransferase; plus strand), TXNRD2 (thioredoxin reductase 2; minus strand). Cytogenetic location: 22q11.21.
Variant type: Deletion.
Identifiers: ClinVar variation 831127 (VCV000831127.3).

ClinVar aggregate classification (germline): Uncertain significance (1 of 4 stars; one submission).

Conditions:
Primary dilated cardiomyopathy (DCM). Also called: Dilated Cardiomyopathy. Identifiers: Orphanet 217604, MedGen C0007193, MeSH D002311, MONDO:0005021, HP:0001644. Inheritance: Various modes of inheritance.

Submission:

Labcorp Genetics (formerly Invitae), Labcorp
Classification: Uncertain significance for Primary dilated cardiomyopathy. Last evaluated: 2022-11-01. Review status: criteria provided, single submitter. Criteria: Invitae Variant Classification Sherloc (09022015). Collection method: clinical testing. Allele origin: germline.
Comment: A gross deletion of the genomic region encompassing the full coding sequence of the TXNRD2 gene has been identified. The current clinical and genetic evidence is not sufficient to establish whether loss-of-function variants in TXNRD2 cause disease. The boundaries of this event are unknown as they extend beyond the assayed region for this gene and therefore may encompass additional genes. This variant has not been reported in the literature in individuals affected with TXNRD2-related conditions. In summary, the available evidence is currently insufficient to determine the role of this variant in disease. Therefore, it has been classified as a Variant of Uncertain Significance.